The following is an entry in ClinVar:

ClinVar aggregate classification (germline): Pathogenic. Review status: reviewed by expert panel (3 of 4 stars). 3 submissions from 3 submitters: Pathogenic (1). 2 of the submissions do not count toward it. Last evaluated 2016-10-18.

Conditions:
Breast-ovarian cancer, familial, susceptibility to, 2 (BROVCA2). Also called: BRCA2 Hereditary Breast and Ovarian Cancer. Identifiers: Orphanet 145, MedGen C2675520, MONDO:0012933, OMIM 612555. Disease mechanism: loss of function.
Familial cancer of breast. Also called: hereditary breast carcinoma; BREAST CANCER, FAMILIAL; Hereditary breast cancer. Identifiers: Orphanet 227535, MedGen C0346153, MONDO:0016419, OMIM 114480. Disease mechanism: loss of function.

Submissions (3):

Evidence-based Network for the Interpretation of Germline Mutant Alleles (ENIGMA)
Classification: Pathogenic for Breast-ovarian cancer, familial, susceptibility to, 2. Last evaluated: 2016-10-18. Review status: reviewed by expert panel. Criteria: ENIGMA BRCA1/2 Classification Criteria (2015). Collection method: curation. Allele origin: germline.
Comment: Variant allele predicted to encode a truncated non-functional protein.

Department of Clinical Genetics, Copenhagen University Hospital, Rigshospitalet
Classification: Pathogenic for Familial cancer of breast. Last evaluated: 2025-12-10. Review status: criteria provided, single submitter. Criteria: ACMG Guidelines, 2015. Collection method: clinical testing. Allele origin: germline. Not counted in ClinVar's aggregate classification.
Comment: The following ACMG criteria has been used: PM2_SUP; PVS1; PM5_Strong (PTC)

Consortium of Investigators of Modifiers of BRCA1/2 (CIMBA), c/o University of Cambridge
Classification: Pathogenic for Breast-ovarian cancer, familial, susceptibility to, 2. Last evaluated: 2015-10-02. Review status: criteria provided, single submitter. Criteria: CIMBA Mutation Classification guidelines May 2016. Collection method: clinical testing. Allele origin: germline. Not counted in ClinVar's aggregate classification.

Literature cited by the submitters: PubMed 21318380 (cited by Department of Clinical Genetics, Copenhagen University Hospital, Rigshospitalet).

NM_000059.4(BRCA2):c.7872_7873del (p.Tyr2624_Arg2625delinsTer)

Gene: BRCA2 (BRCA2 DNA repair associated; plus strand). Cytogenetic location: 13q13.1.
Variant type: Microsatellite.
Coding change: c.7872_7873del on transcript NM_000059.4 (MANE Select); coding-DNA positions 7872 to 7873, 2 bases deleted (TA; older notation c.7872_7873delTA).
Protein change: p.Tyr2624_Arg2625delinsTer.
Molecular consequence: nonsense.
Genome position (GRCh38, 1-based): chr13:32,362,589-32,362,590, TA deleted; deleting any 2 consecutive bases within chr13:32,362,587-32,362,590 gives the same sequence; the c. name uses the placement nearest the transcript's 3' end. VCF-style (leftmost placement, unchanged base first): chr13-32362586-CTA-C. GRCh37 (hg19) VCF-style: chr13-32936723-CTA-C.
Other names: 8098delTA-ter2625; c.7872_7873delTA (NM_000059.3).
Identifiers: ClinVar variation 52429 (VCV000052429.8), dbSNP rs397507942, ClinGen allele CA025316.